The following is an entry in ClinVar:

NM_000051.4(ATM):c.3428C>T (p.Thr1143Ile)

Gene: ATM (ATM serine/threonine kinase; plus strand). Cytogenetic location: 11q22.3.
Variant type: single nucleotide variant.
Coding change: c.3428C>T on transcript NM_000051.4 (MANE Select); coding-DNA position 3428, C replaced by T.
Protein change: p.Thr1143Ile; replaces threonine 1143 with isoleucine.
Molecular consequence: missense variant.
Genome position (GRCh38, 1-based): chr11:108,281,020, C>T. VCF-style: chr11-108281020-C-T. GRCh37 (hg19) VCF-style: chr11-108151747-C-T.
Other names: c.3428C>T (NM_000051.3); c.3428C>T, p.Thr1143Ile (NM_001351834.2); short protein forms T1143I.
Identifiers: ClinVar variation 1055919 (VCV001055919.16), dbSNP rs748375410, ClinGen allele CA6265292.

ClinVar aggregate classification (germline): Uncertain significance. Review status: criteria provided, multiple submitters, no conflicts (2 of 4 stars). 3 submissions from 3 submitters: Uncertain significance (2). 1 of the submissions does not count toward it. Last evaluated 2025-06-29.

Conditions:
Hereditary cancer-predisposing syndrome. Also called: Hereditary Cancer Syndrome; Tumor predisposition; Hereditary neoplastic syndrome; Neoplastic Syndromes, Hereditary. Identifiers: Orphanet 140162, MedGen C0027672, MeSH D009386, MONDO:0015356.
Ataxia-telangiectasia syndrome (AT). Also called: ATAXIA-TELANGIECTASIA, FRESNO VARIANT; Ataxia-telangiectasia, complementation group E; ATAXIA-TELANGIECTASIA, COMPLEMENTATION GROUP A; LOUIS-BAR SYNDROME; Ataxia-telangiectasia, complementation group D; AT, COMPLEMENTATION GROUP C. Identifiers: Orphanet 100, MedGen C0004135, MONDO:0008840, OMIM 208900.

Allele frequency attached by ClinVar (database versions not stated): gnomAD exomes below 0.00001; ExAC 0.00001.
gnomAD v4.1: 3 of 1,612,702 alleles (0.00019%); highest among the groups gnomAD compares: Non-Finnish European, 0.00025%; no homozygotes.

Submissions (3):

Ambry Genetics
Classification: Uncertain significance for Hereditary cancer-predisposing syndrome. Last evaluated: 2025-06-29. Review status: criteria provided, single submitter. Criteria: Ambry Variant Classification Scheme 2023. Collection method: clinical testing. Allele origin: germline.
Comment: The p.T1143I variant (also known as c.3428C>T), located in coding exon 23 of the ATM gene, results from a C to T substitution at nucleotide position 3428. The threonine at codon 1143 is replaced by isoleucine, an amino acid with similar properties. This amino acid position is poorly conserved in available vertebrate species. In addition, this alteration is predicted to be tolerated by in silico analysis. Since supporting evidence is limited at this time, the clinical significance of this alteration remains unclear.

Labcorp Genetics (formerly Invitae), Labcorp
Classification: Uncertain significance for Ataxia-telangiectasia syndrome. Last evaluated: 2020-02-20. Review status: criteria provided, single submitter. Criteria: Invitae Variant Classification Sherloc (09022015). Collection method: clinical testing. Allele origin: germline.
Comment: In summary, the available evidence is currently insufficient to determine the role of this variant in disease. Therefore, it has been classified as a Variant of Uncertain Significance. Algorithms developed to predict the effect of missense changes on protein structure and function output the following: SIFT: "Tolerated"; PolyPhen-2: "Benign"; Align-GVGD: "Class C0". The isoleucine amino acid residue is found in multiple mammalian species, suggesting that this missense change does not adversely affect protein function. These predictions have not been confirmed by published functional studies and their clinical significance is uncertain. This variant has not been reported in the literature in individuals with ATM-related conditions. This variant is present in population databases (rs748375410, ExAC 0.002%). This sequence change replaces threonine with isoleucine at codon 1143 of the ATM protein (p.Thr1143Ile). The threonine residue is weakly conserved and there is a moderate physicochemical difference between threonine and isoleucine.

Natera, Inc.
Classification: Uncertain significance for Ataxia-telangiectasia. Last evaluated: 2020-06-25. Review status: no assertion criteria provided. Collection method: clinical testing. Allele origin: germline. Not counted in ClinVar's aggregate classification.